The following is an entry in ClinVar:

ClinVar aggregate classification (germline): Uncertain significance (1 of 4 stars; one submission).

Submission:

GeneDx
Classification: Uncertain significance. Last evaluated: 2022-05-02. Review status: criteria provided, single submitter. Criteria: GeneDx Variant Classification Process June 2021. Collection method: clinical testing. Allele origin: germline. Affected: yes.
Comment: Not observed at significant frequency in large population cohorts (gnomAD); In silico analysis supports that this variant does not alter splicing; Has not been previously published as pathogenic or benign to our knowledge

NM_001378183.1(PIEZO2):c.64+6T>A

Gene: PIEZO2 (piezo type mechanosensitive ion channel component 2; minus strand). Cytogenetic location: 18p11.21.
Variant type: single nucleotide variant.
Coding change: c.64+6T>A on transcript NM_001378183.1 (MANE Select); 6 bases into the intron after coding-DNA position 64, T replaced by A.
Molecular consequence: intron variant.
Genome position (GRCh38, 1-based): chr18:11,148,519, A>T on the plus strand (T>A on the coding strand, the complement: PIEZO2 is on the minus strand). VCF-style: chr18-11148519-A-T. GRCh37 (hg19) VCF-style: chr18-11148518-A-T.
Other names: c.64+6T>A (NM_022068.4).
Identifiers: ClinVar variation 1723098 (VCV001723098.2), dbSNP rs924419425, ClinGen allele CA2580095444.